The following is an entry in ClinVar:

NM_001943.5(DSG2):c.3243C>T (p.Val1081=)

Genes: DSG2 (desmoglein 2; plus strand), DSG2-AS1 (DSG2 antisense RNA 1; minus strand). Cytogenetic location: 18q12.1.
Variant type: single nucleotide variant.
Coding change: c.3243C>T on transcript NM_001943.5 (MANE Select); coding-DNA position 3243, C replaced by T.
Protein change: p.Val1081=; no amino-acid change (valine 1081 retained).
Molecular consequence: synonymous variant.
Genome position (GRCh38, 1-based): chr18:31,546,629, C>T. VCF-style: chr18-31546629-C-T. GRCh37 (hg19) VCF-style: chr18-29126592-C-T.
Other names: p.Val1081=.
Identifiers: ClinVar variation 44312 (VCV000044312.50), dbSNP rs11542379, ClinGen allele CA022029.
Genomic context (GRCh38, chr18:31,546,629, plus strand): 5'-CCAGATTCCCACTGAAAATTCTATGACGGCTAGGAACACCACGGTGTCTGGAGCTGGAGT[C>T]CCTGGCCCTCTGCCAGATTTTGGTTTAGAGGAATCTGGTCATTCTAATTCTACCATAACC-3'
Protein context (NP_001934.2, residues 1071-1091): ARNTTVSGAG[Val1081=]PGPLPDFGLE

ClinVar aggregate classification (germline): Benign/Likely benign. Review status: criteria provided, multiple submitters, no conflicts (2 of 4 stars). 19 submissions from 19 submitters: Benign (11); Likely benign (3). 5 of the submissions do not count toward it. Last evaluated 2026-02-04.

Conditions:
Cardiovascular phenotype. Identifiers: MedGen CN230736.
Arrhythmogenic right ventricular cardiomyopathy (ARVD). Also called: Cardiomyopathy, ARVC; Arrhythmogenic Right Ventricular Cardiomyopathy (ARVC); Arrhythmogenic right ventricular dysplasia; Arrhythmogenic cardiomyopathy. Identifiers: Orphanet 247, MedGen C0349788, MeSH D019571, MONDO:0016587. Disease mechanism: loss of function. Inheritance: Various modes of inheritance.
Cardiomyopathy (CMYO). Also called: Cardiomyopathies. Identifiers: Orphanet 167848, MedGen C0878544, MONDO:0004994, HP:0001638. Inheritance: Various modes of inheritance.
Arrhythmogenic right ventricular dysplasia 10. Also called: Arrhythmogenic Right Ventricular Dysplasia/Cardiomyopathy10; ARRHYTHMOGENIC RIGHT VENTRICULAR DYSPLASIA, FAMILIAL, 10; Arrhythmogenic right ventricular dysplasia/cardiomyopathy, type 10. Identifiers: MedGen C1857777, MONDO:0012434, OMIM 610193.

Allele frequency attached by ClinVar (database versions not stated): gnomAD exomes 0.00470 and 0.00598; ExAC 0.00581; gnomAD 0.01020 and 0.01097; 1000 Genomes Project 0.01038; 1000 Genomes Project 30x 0.01077; ESP Exome Variant Server 0.01096; TOPMed 0.01169.
gnomAD v4.1: 8,615 of 1,614,172 alleles (0.53%); highest among the groups gnomAD compares: African/African-American, 2.3%; 53 homozygotes.

Submissions (19):

Labcorp Genetics (formerly Invitae), Labcorp
Classification: Benign for Arrhythmogenic right ventricular dysplasia 10. Last evaluated: 2026-02-04. Review status: criteria provided, single submitter. Criteria: Invitae Variant Classification Sherloc (09022015). Collection method: clinical testing. Allele origin: germline.

ARUP Laboratories, Molecular Genetics and Genomics, ARUP Laboratories
Classification: Benign. Last evaluated: 2025-05-15. Review status: criteria provided, single submitter. Criteria: ARUP Molecular Germline Variant Investigation Process 2024. Collection method: clinical testing. Allele origin: germline.

Blueprint Genetics
Classification: Likely benign. Last evaluated: 2024-11-21. Review status: criteria provided, single submitter. Criteria: ACMG Guidelines, 2015. Collection method: clinical testing. Allele origin: germline.

All of Us Research Program, National Institutes of Health
Classification: Benign for Arrhythmogenic right ventricular cardiomyopathy. Last evaluated: 2024-02-05. Review status: criteria provided, single submitter. Criteria: ACMG Guidelines, 2015. Collection method: clinical testing. Allele origin: germline. Inheritance: Autosomal dominant inheritance. Observed: 1,540 variant alleles, 1,535 heterozygotes, 5 homozygotes.
Comment: This study involves interpretation of variants in research participants for the purpose of population health screening. Participant phenotype was not available at the time of variant classification. Additional details can be found in publication PMID: 35346344, PMCID: PMC8962531

CHEO Genetics Diagnostic Laboratory, Children's Hospital of Eastern Ontario
Classification: Benign for Cardiomyopathy. Last evaluated: 2023-01-20. Review status: criteria provided, single submitter. Criteria: ACMG Guidelines, 2015. Collection method: clinical testing. Allele origin: germline. Study: Canadian Open Genetics Repository.

Molecular Diagnostic Laboratory for Inherited Cardiovascular Disease, Montreal Heart Institute
Classification: Benign. Last evaluated: 2019-10-09. Review status: criteria provided, single submitter. Criteria: ACMG Guidelines, 2015. Collection method: clinical testing. Allele origin: germline. Affected: yes.

Color Diagnostics, LLC DBA Color Health
Classification: Benign for Cardiomyopathy. Last evaluated: 2018-04-19. Review status: criteria provided, single submitter. Criteria: ACMG Guidelines, 2015. Collection method: clinical testing. Allele origin: germline.

Illumina Laboratory Services, Illumina
Classification: Likely benign for Arrhythmogenic right ventricular dysplasia 10. Last evaluated: 2018-01-13. Review status: criteria provided, single submitter. Criteria: ICSL Variant Classification Criteria 13 December 2019. Collection method: clinical testing. Allele origin: germline.
Comment: This variant was observed in the ICSL laboratory as part of a predisposition screen in an ostensibly healthy population. It had not been previously curated by ICSL or reported in the Human Gene Mutation Database (HGMD: prior to June 1st, 2018), and was therefore a candidate for classification through an automated scoring system. Utilizing variant allele frequency, disease prevalence and penetrance estimates, and inheritance mode, an automated score was calculated to assess if this variant is too frequent to cause the disease. Based on the score and internal cut-off values, a variant classified as likely benign is not then subjected to further curation. The score for this variant resulted in a classification of likely benign for this disease.

Mayo Clinic Laboratories, Mayo Clinic
Classification: Benign. Last evaluated: 2017-01-11. Review status: criteria provided, single submitter. Criteria: ACMG Guidelines, 2015. Collection method: clinical testing. Allele origin: germline. Observed: 16 variant alleles.

Ambry Genetics
Classification: Benign for Cardiovascular phenotype. Last evaluated: 2015-07-17. Review status: criteria provided, single submitter. Criteria: Ambry Variant Classification Scheme 2023. Collection method: clinical testing. Allele origin: germline.

GeneDx
Classification: Benign. Last evaluated: 2015-03-03. Review status: criteria provided, single submitter. Criteria: GeneDx Variant Classification Process June 2021. Collection method: clinical testing. Allele origin: germline. Affected: yes.

Laboratory for Molecular Medicine, Mass General Brigham Personalized Medicine
Classification: Benign. Last evaluated: 2008-03-27. Review status: criteria provided, single submitter. Criteria: LMM Criteria. Collection method: clinical testing. Allele origin: germline. Observed: 44 variant alleles.

Breakthrough Genomics
Classification: Likely benign. Review status: criteria provided, single submitter. Criteria: ACMG Guidelines, 2015. Collection method: not provided. Allele origin: germline. Inheritance: Autosomal recessive inheritance. Affected: yes.

PreventionGenetics, part of Exact Sciences
Classification: Benign. Review status: criteria provided, single submitter. Criteria: ACMG Guidelines, 2015. Collection method: clinical testing. Allele origin: germline.

Clinical Genetics DNA and cytogenetics Diagnostics Lab, Erasmus MC, Erasmus Medical Center
Classification: Benign. Review status: no assertion criteria provided. Collection method: clinical testing. Allele origin: germline. Affected: yes. Study: VKGL Data-share Consensus. Not counted in ClinVar's aggregate classification.

Clinical Genetics, Academic Medical Center
Classification: Benign. Review status: no assertion criteria provided. Collection method: clinical testing. Allele origin: germline. Affected: yes. Study: VKGL Data-share Consensus. Not counted in ClinVar's aggregate classification.

Diagnostic Laboratory, Department of Genetics, University Medical Center Groningen
Classification: Likely benign. Review status: no assertion criteria provided. Collection method: clinical testing. Allele origin: germline. Affected: yes. Study: VKGL Data-share Consensus. Not counted in ClinVar's aggregate classification.

Genome Diagnostics Laboratory, University Medical Center Utrecht
Classification: Benign. Review status: no assertion criteria provided. Collection method: clinical testing. Allele origin: germline. Affected: yes. Study: VKGL Data-share Consensus. Not counted in ClinVar's aggregate classification.

Joint Genome Diagnostic Labs from Nijmegen and Maastricht, Radboudumc and MUMC+
Classification: Benign. Review status: no assertion criteria provided. Collection method: clinical testing. Allele origin: germline. Affected: yes. Study: VKGL Data-share Consensus. Not counted in ClinVar's aggregate classification.